The following is an entry in ClinVar:

NM_138694.4(PKHD1):c.3627G>A (p.Leu1209=)

Gene: PKHD1 (PKHD1 ciliary IPT domain containing fibrocystin/polyductin; minus strand). Cytogenetic location: 6p12.2.
Variant type: single nucleotide variant.
Coding change: c.3627G>A on transcript NM_138694.4 (MANE Select); coding-DNA position 3627, G replaced by A.
Protein change: p.Leu1209=; no amino-acid change (leucine 1209 retained).
Molecular consequence: synonymous variant.
Genome position (GRCh38, 1-based): chr6:52,027,830, C>T on the plus strand (G>A on the coding strand, the complement: PKHD1 is on the minus strand). VCF-style: chr6-52027830-C-T. GRCh37 (hg19) VCF-style: chr6-51892628-C-T.
Other names: p.Leu1209=; c.3627G>A (NM_138694.3); c.3627G>A, p.Leu1209= (NM_170724.3).
Identifiers: ClinVar variation 501703 (VCV000501703.8), dbSNP rs182216709, ClinGen allele CA3852889.

ClinVar aggregate classification (germline): Conflicting classifications of pathogenicity. Review status: criteria provided, conflicting classifications (1 of 4 stars). 4 submissions from 4 submitters: Uncertain significance (2); Likely benign (1). 1 of the submissions does not count toward it. Last evaluated 2025-06-19.

Conditions:
PKHD1-related disorder. Also called: PKHD1-related condition.
Autosomal recessive polycystic kidney disease (ARPKD). Also called: AR polycystic kidney disease. Identifiers: Orphanet 731, Orphanet 8378, MedGen C0085548, MeSH D017044, MONDO:0009889.

Allele frequency attached by ClinVar (database versions not stated): gnomAD exomes 0.00006 and 0.00016; ExAC 0.00018; 1000 Genomes Project 30x 0.00031; ESP Exome Variant Server 0.00038; 1000 Genomes Project 0.00040; gnomAD 0.00056 and 0.00060; TOPMed 0.00063.
gnomAD v4.1: 181 of 1,607,292 alleles (0.011%); highest among the groups gnomAD compares: African/African-American, 0.19%; no homozygotes.

Submissions (4):

Mayo Clinic Laboratories, Mayo Clinic
Classification: Likely benign. Last evaluated: 2025-06-19. Review status: criteria provided, single submitter. Criteria: ACMG Guidelines, 2015. Collection method: clinical testing. Allele origin: germline. Observed: 1 variant allele.
Comment: BP4, BP7

Labcorp Genetics (formerly Invitae), Labcorp
Classification: Uncertain significance for Autosomal recessive polycystic kidney disease. Last evaluated: 2021-09-24. Review status: criteria provided, single submitter. Criteria: Invitae Variant Classification Sherloc (09022015). Collection method: clinical testing. Allele origin: germline.
Comment: This sequence change affects codon 1209 of the PKHD1 mRNA. It is a 'silent' change, meaning that it does not change the encoded amino acid sequence of the PKHD1 protein. This variant is present in population databases (rs182216709, ExAC 0.2%). This variant has not been reported in the literature in individuals with PKHD1-related disease. ClinVar contains an entry for this variant (Variation ID:¬†501703). Algorithms developed to predict the effect of sequence changes on RNA splicing suggest that this variant may create or strengthen a splice site, but this prediction has not been confirmed by published transcriptional studies. In summary, the available evidence is currently insufficient to determine the role of this variant in disease. Therefore, it has been classified as a Variant of Uncertain Significance.

Eurofins Ntd Llc (ga)
Classification: Uncertain significance. Last evaluated: 2017-05-03. Review status: criteria provided, single submitter. Criteria: EGL Classification Definitions 2015. Collection method: clinical testing. Allele origin: germline. Observed: 1 variant allele, 1 heterozygote.

PreventionGenetics, part of Exact Sciences
Classification: Likely benign for PKHD1-related condition. Last evaluated: 2024-05-09. Review status: no assertion criteria provided. Collection method: clinical testing. Allele origin: germline. Not counted in ClinVar's aggregate classification.
Comment: This variant is classified as likely benign based on ACMG/AMP sequence variant interpretation guidelines (Richards et al. 2015 PMID: 25741868, with internal and published modifications).